The following is an entry in ClinVar:

NM_004663.5(RAB11A):c.590C>T (p.Pro197Leu)

Gene: RAB11A (RAB11A, member RAS oncogene family; plus strand). Cytogenetic location: 15q22.31.
Variant type: single nucleotide variant.
Coding change: c.590C>T on transcript NM_004663.5 (MANE Select); coding-DNA position 590, C replaced by T.
Protein change: p.Pro197Leu; replaces proline 197 with leucine.
Molecular consequence: missense variant. On other transcripts: 3 prime UTR variant (1).
Genome position (GRCh38, 1-based): chr15:65,887,779, C>T. VCF-style: chr15-65887779-C-T. GRCh37 (hg19) VCF-style: chr15-66180117-C-T.
Other names: c.*27C>T (NM_001206836.2); short protein forms P197L.
Identifiers: ClinVar variation 4759876 (VCV004759876.1).

ClinVar aggregate classification (germline): Uncertain significance (1 of 4 stars; one submission).

gnomAD v4.1: 1 of 1,613,750 alleles (0.000062%); no homozygotes.

Submission:

Labcorp Genetics (formerly Invitae), Labcorp
Classification: Uncertain significance. Last evaluated: 2025-11-09. Review status: criteria provided, single submitter. Criteria: Invitae Variant Classification Sherloc (09022015). Collection method: clinical testing. Allele origin: germline.
Comment: This sequence change replaces proline, which is neutral and non-polar, with leucine, which is neutral and non-polar, at codon 197 of the RAB11A protein (p.Pro197Leu). This variant is present in population databases (no rsID available, gnomAD 0.01%). This variant has not been reported in the literature in individuals affected with RAB11A-related conditions. An algorithm developed to predict the effect of missense changes on protein structure and function (PolyPhen-2) suggests that this variant is likely to be tolerated. In summary, the available evidence is currently insufficient to determine the role of this variant in disease. Therefore, it has been classified as a Variant of Uncertain Significance.